The following is an entry in ClinVar:

ClinVar aggregate classification (germline): Likely pathogenic (1 of 4 stars; one submission).

Conditions:
Hereditary cancer-predisposing syndrome. Also called: Tumor predisposition; Hereditary Cancer Syndrome; Hereditary neoplastic syndrome; Neoplastic Syndromes, Hereditary. Identifiers: Orphanet 140162, MedGen C0027672, MeSH D009386, MONDO:0015356.

Submission:

Ambry Genetics
Classification: Likely pathogenic for Hereditary cancer-predisposing syndrome. Last evaluated: 2023-12-28. Review status: criteria provided, single submitter. Criteria: Ambry Variant Classification Scheme 2023. Collection method: clinical testing. Allele origin: germline.
Comment: The c.8671+1_8671+26del26 variant results from a deletion of 26 nucleotides between positions c.8671+1 and c.8671+26 and involves the canonical splice donor site after coding exon 58 of the ATM gene. This variant is considered to be rare based on population cohorts in the Genome Aggregation Database (gnomAD). The canonical splice donor site is highly conserved in available vertebrate species. In silico splice site analysis predicts that this alteration will weaken the native splice donor site. RNA studies have demonstrated that this alteration results in abnormal splicing in the set of samples tested (Ambry internal data). Alterations that disrupt the canonical splice site are expected to cause aberrant splicing, resulting in an abnormal protein or a transcript that is subject to nonsense-mediated mRNA decay. As such, this alteration is classified as likely pathogenic.

NM_000051.4(ATM):c.8671+1_8671+26del

Genes: ATM (ATM serine/threonine kinase; plus strand), C11orf65 (chromosome 11 open reading frame 65; minus strand). Cytogenetic location: 11q22.3.
Variant type: Deletion.
Coding change: c.8671+1_8671+26del on transcript NM_000051.4 (MANE Select); the canonical splice donor site of the intron after coding-DNA position 8671 through 26 bases into the intron after coding-DNA position 8671, 26 bases deleted (GTAAGTAATAAAATCTATGTATCTAT).
Molecular consequence: splice donor variant. On other transcripts: intron variant (2).
Genome position (GRCh38, 1-based): chr11:108,347,366-108,347,391, GTAAGTAATAAAATCTATGTATCTAT deleted. VCF-style (leftmost placement, unchanged base first): chr11-108347365-GGTAAGTAATAAAATCTATGTATCTAT-G. GRCh37 (hg19) VCF-style: chr11-108218092-GGTAAGTAATAAAATCTATGTATCTAT-G.
Other names: c.8671+1_8671+26del (NM_001351834.2); c.641-38320_641-38295del (NM_001330368.2); c.695-12099_695-12074del (NM_001351110.2).
Identifiers: ClinVar variation 3223348 (VCV003223348.1), dbSNP rs2547462926, ClinGen allele CA2580610712.